The following is an entry in ClinVar:

NM_001006658.3(CR2):c.2411C>G (p.Ser804Cys)

Gene: CR2 (complement C3d receptor 2; plus strand). Cytogenetic location: 1q32.2.
Variant type: single nucleotide variant.
Coding change: c.2411C>G on transcript NM_001006658.3 (MANE Select); coding-DNA position 2411, C replaced by G.
Protein change: p.Ser804Cys; replaces serine 804 with cysteine.
Molecular consequence: missense variant.
Genome position (GRCh38, 1-based): chr1:207,474,911, C>G. VCF-style: chr1-207474911-C-G. GRCh37 (hg19) VCF-style: chr1-207648256-C-G.
Other names: c.2234C>G, p.Ser745Cys (NM_001877.5); short protein forms S804C, S745C.
Identifiers: ClinVar variation 2154465 (VCV002154465.4), dbSNP rs1177912722, ClinGen allele CA344537733.

ClinVar aggregate classification (germline): Uncertain significance (1 of 4 stars; one submission).

Conditions:
Immunodeficiency, common variable, 7. Identifiers: Orphanet 1572, Orphanet 696894, MedGen C3542922, MONDO:0013862, OMIM 614699.

Allele frequency attached by ClinVar (database versions not stated): TOPMed 0.00001; gnomAD 0.00001; gnomAD exomes below 0.00001.
gnomAD v4.1: 6 of 1,613,926 alleles (0.00037%); highest among the groups gnomAD compares: East Asian, 0.0022%; no homozygotes.

Submission:

Labcorp Genetics (formerly Invitae), Labcorp
Classification: Uncertain significance for Immunodeficiency, common variable, 7. Last evaluated: 2022-02-14. Review status: criteria provided, single submitter. Criteria: Invitae Variant Classification Sherloc (09022015). Collection method: clinical testing. Allele origin: germline.
Comment: In summary, the available evidence is currently insufficient to determine the role of this variant in disease. Therefore, it has been classified as a Variant of Uncertain Significance. Algorithms developed to predict the effect of missense changes on protein structure and function are either unavailable or do not agree on the potential impact of this missense change (SIFT: "Tolerated"; PolyPhen-2: "Probably Damaging"; Align-GVGD: "Class C15"). This variant has not been reported in the literature in individuals affected with CR2-related conditions. This variant is not present in population databases (gnomAD no frequency). This sequence change replaces serine, which is neutral and polar, with cysteine, which is neutral and slightly polar, at codon 804 of the CR2 protein (p.Ser804Cys).